The following is an entry in ClinVar:

ClinVar aggregate classification (germline): Benign. Review status: criteria provided, multiple submitters, no conflicts (2 of 4 stars). 2 submissions from 2 submitters: Benign (2). Last evaluated 2018-01-13.

Conditions:
Early Myoclonic Encephalopathy. Identifiers: MedGen C0270855.

Allele frequency attached by ClinVar (database versions not stated): gnomAD exomes 0.02290; gnomAD 0.04015 and 0.04523; 1000 Genomes Project 30x 0.10931; 1000 Genomes Project 0.11402; TOPMed 0.04647.
gnomAD v4.1: 6,846 of 152,628 alleles (4.5%); highest among the groups gnomAD compares: East Asian, 27%; 435 homozygotes.

Submissions (2):

Illumina Laboratory Services, Illumina
Classification: Benign for Developmental and epileptic encephalopathy, 3. Last evaluated: 2018-01-13. Review status: criteria provided, single submitter. Criteria: ICSL Variant Classification Criteria 13 December 2019. Collection method: clinical testing. Allele origin: germline.
Comment: This variant was observed in the ICSL laboratory as part of a predisposition screen in an ostensibly healthy population. It had not been previously curated by ICSL or reported in the Human Gene Mutation Database (HGMD: prior to June 1st, 2018), and was therefore a candidate for classification through an automated scoring system. Utilizing variant allele frequency, disease prevalence and penetrance estimates, and inheritance mode, an automated score was calculated to assess if this variant is too frequent to cause the disease. Based on the score and internal cut-off values, a variant classified as benign is not then subjected to further curation. The score for this variant resulted in a classification of benign for this disease.

Breakthrough Genomics
Classification: Benign. Review status: criteria provided, single submitter. Criteria: ACMG Guidelines, 2015. Collection method: not provided. Allele origin: germline. Inheritance: Autosomal recessive inheritance. Affected: yes.

NM_001191061.2(SLC25A22):c.*1153C>T

Gene: SLC25A22 (solute carrier family 25 member 22; minus strand). Cytogenetic location: 11p15.5.
Variant type: single nucleotide variant.
Coding change: c.*1153C>T on transcript NM_001191061.2 (MANE Select); 1153 bases downstream of the stop codon, C replaced by T.
Molecular consequence: 3 prime UTR variant.
Genome position (GRCh38, 1-based): chr11:790,762, G>A on the plus strand (C>T on the coding strand, the complement: SLC25A22 is on the minus strand). VCF-style: chr11-790762-G-A. GRCh37 (hg19) VCF-style: chr11-790762-G-A.
Other names: c.*1153C>T (NM_001191060.2, NM_024698.6).
Identifiers: ClinVar variation 306233 (VCV000306233.6), dbSNP rs17156064, ClinGen allele CA10635735.
Genomic context (GRCh38, chr11:790,762, plus strand): 5'-TTTGGGGACACAGCACCAGCACATCAGGGTCTGTCACCAACACGATCACATGGCCAGGGC[G>A]GGGCAGGGAGAGCTTCGGCTCACAGCAGGGATCGCCCGGTGGCAGGGGGGATGGGGCTTC-3'